The following is an entry in ClinVar:

NM_000944.5(PPP3CA):c.1490A>T (p.Asn497Ile)

Gene: PPP3CA (protein phosphatase 3 catalytic subunit alpha; minus strand). Cytogenetic location: 4q24.
Variant type: single nucleotide variant.
Coding change: c.1490A>T on transcript NM_000944.5 (MANE Select); coding-DNA position 1490, A replaced by T.
Protein change: p.Asn497Ile; replaces asparagine 497 with isoleucine.
Molecular consequence: missense variant.
Genome position (GRCh38, 1-based): chr4:101,025,941, T>A on the plus strand (A>T on the coding strand, the complement: PPP3CA is on the minus strand). VCF-style: chr4-101025941-T-A. GRCh37 (hg19) VCF-style: chr4-101947098-T-A.
Other names: c.1460A>T, p.Asn487Ile (NM_001130691.2); c.1334A>T, p.Asn445Ile (NM_001130692.2); short protein forms N487I, N497I, N445I.
Identifiers: ClinVar variation 1909643 (VCV001909643.5), dbSNP rs2476197303, ClinGen allele CA357947579.

ClinVar aggregate classification (germline): Uncertain significance (1 of 4 stars; one submission).

Allele frequency attached by ClinVar (database versions not stated): gnomAD exomes below 0.00001.
gnomAD v4.1: 4 of 1,611,656 alleles (0.00025%); highest among the groups gnomAD compares: Non-Finnish European, 0.00034%; no homozygotes.

Submission:

Labcorp Genetics (formerly Invitae), Labcorp
Classification: Uncertain significance. Last evaluated: 2022-03-10. Review status: criteria provided, single submitter. Criteria: Invitae Variant Classification Sherloc (09022015). Collection method: clinical testing. Allele origin: germline.
Comment: This variant is not present in population databases (gnomAD no frequency). This sequence change replaces asparagine, which is neutral and polar, with isoleucine, which is neutral and non-polar, at codon 497 of the PPP3CA protein (p.Asn497Ile). This variant has not been reported in the literature in individuals affected with PPP3CA-related conditions. In summary, the available evidence is currently insufficient to determine the role of this variant in disease. Therefore, it has been classified as a Variant of Uncertain Significance. Algorithms developed to predict the effect of missense changes on protein structure and function are either unavailable or do not agree on the potential impact of this missense change (SIFT: "Tolerated"; PolyPhen-2: "Possibly Damaging"; Align-GVGD: "Class C0").